The following is an entry in ClinVar:

NM_013275.6(ANKRD11):c.3055del (p.Arg1019fs)

Gene: ANKRD11 (ankyrin repeat domain 11; minus strand). Cytogenetic location: 16q24.3.
Variant type: Deletion.
Coding change: c.3055del on transcript NM_013275.6 (MANE Select); coding-DNA position 3055, one base deleted (A; older notation c.3055delA).
Protein change: p.Arg1019fs; shifts the reading frame from arginine 1019.
Molecular consequence: frameshift variant.
Genome position (GRCh38, 1-based): chr16:89,283,487, T deleted on the plus strand (A on the coding strand, the reverse complement: ANKRD11 is on the minus strand); the first of 3 consecutive T bases (chr16:89,283,487-89,283,489); deleting any one gives the same sequence. VCF-style (leftmost placement, unchanged base first): chr16-89283486-CT-C. GRCh37 (hg19) VCF-style: chr16-89349894-CT-C.
Other names: c.3055del, p.Arg1019fs (NM_001256182.2, NM_001256183.2); short protein forms R1019fs.
Identifiers: ClinVar variation 4713691 (VCV004713691.1).

ClinVar aggregate classification (germline): Pathogenic (1 of 4 stars; one submission).

Conditions:
KBG syndrome (KBGS). Also called: ANKRD11-Related KBG Syndrome. Identifiers: Orphanet 2332, MedGen C0220687, MONDO:0007846, OMIM 148050.

Submission:

Labcorp Genetics (formerly Invitae), Labcorp
Classification: Pathogenic for KBG syndrome. Last evaluated: 2025-02-23. Review status: criteria provided, single submitter. Criteria: Invitae Variant Classification Sherloc (09022015). Collection method: clinical testing. Allele origin: germline.
Comment: This sequence change creates a premature translational stop signal (p.Arg1019Glyfs*299) in the ANKRD11 gene. It is expected to result in an absent or disrupted protein product. Loss-of-function variants in ANKRD11 are known to be pathogenic (PMID: 21782149, 25125236, 25413698, 25652421). This variant is not present in population databases (gnomAD no frequency). This variant has not been reported in the literature in individuals affected with ANKRD11-related conditions. For these reasons, this variant has been classified as Pathogenic.

Literature cited by the submitters: PubMed 21782149; PubMed 25125236; PubMed 25413698; PubMed 25652421.